The following is an entry in ClinVar:

NM_020831.6(MRTFA):c.2215C>G (p.Gln739Glu)

Gene: MRTFA (myocardin related transcription factor A; minus strand). Cytogenetic location: 22q13.1.
Variant type: single nucleotide variant.
Coding change: c.2215C>G on transcript NM_020831.6 (MANE Select); coding-DNA position 2215, C replaced by G.
Protein change: p.Gln739Glu; replaces glutamine 739 with glutamic acid.
Molecular consequence: missense variant.
Genome position (GRCh38, 1-based): chr22:40,418,523, G>C on the plus strand (C>G on the coding strand, the complement: MRTFA is on the minus strand). VCF-style: chr22-40418523-G-C. GRCh37 (hg19) VCF-style: chr22-40814527-G-C.
Other names: c.1915C>G, p.Gln639Glu (NM_001282660.2); c.2065C>G, p.Gln689Glu (NM_001282661.3); c.2215C>G, p.Gln739Glu (NM_001282662.3); c.2020C>G, p.Gln674Glu (NM_001318139.2); c.1915C>G (NM_020831.3); c.2215C>G (NM_020831.5); short protein forms Q639E, Q674E, Q689E, Q739E.
Identifiers: ClinVar variation 1682979 (VCV001682979.11), dbSNP rs763913389, ClinGen allele CA10249417.

ClinVar aggregate classification (germline): Uncertain significance. Review status: criteria provided, multiple submitters, no conflicts (2 of 4 stars). 3 submissions from 3 submitters: Uncertain significance (2). 1 of the submissions does not count toward it. Last evaluated 2026-01-20.

Allele frequency attached by ClinVar (database versions not stated): ExAC 0.00002; gnomAD 0.00002; gnomAD exomes 0.00002.
gnomAD v4.1: 28 of 1,589,910 alleles (0.0018%); highest among the groups gnomAD compares: Middle Eastern, 0.034%; no homozygotes.

Submissions (3):

Labcorp Genetics (formerly Invitae), Labcorp
Classification: Uncertain significance. Last evaluated: 2026-01-20. Review status: criteria provided, single submitter. Criteria: Invitae Variant Classification Sherloc (09022015). Collection method: clinical testing. Allele origin: germline.
Comment: This sequence change replaces glutamine, which is neutral and polar, with glutamic acid, which is acidic and polar, at codon 639 of the MKL1 protein (p.Gln639Glu). This variant is present in population databases (rs763913389, gnomAD 0.004%). This variant has not been reported in the literature in individuals affected with MKL1-related conditions. ClinVar contains an entry for this variant (Variation ID: 1682979). An algorithm developed to predict the effect of missense changes on protein structure and function (PolyPhen-2) suggests that this variant is likely to be tolerated. In summary, the available evidence is currently insufficient to determine the role of this variant in disease. Therefore, it has been classified as a Variant of Uncertain Significance.

Ambry Genetics
Classification: Uncertain significance. Last evaluated: 2025-06-03. Review status: criteria provided, single submitter. Criteria: Ambry Variant Classification Scheme 2023. Collection method: clinical testing. Allele origin: germline.

Genetic Services Laboratory, University of Chicago
Classification: Uncertain significance. Last evaluated: 2022-07-27. Review status: no assertion criteria provided. Collection method: clinical testing. Allele origin: germline. Affected: no. Not counted in ClinVar's aggregate classification.
Comment: DNA sequence analysis of the MRTFA gene demonstrated two sequence changes. The first sequence change, c.2215C>G, in exon 12 that results in an amino acid change, p.Gln739Glu. This sequence change does not appear to have been previously described in individuals with MRTFA-related disorders. This sequence change has been described in the gnomAD database with a frequency of 0.002% (dbSNP rs763913389). The p.Gln739Glu change affects a moderately conserved amino acid residue located in a domain of the MRTFA protein that is not known to be functional. The p.Gln739Glu substitution appears to be benign using several in-silico pathogenicity prediction tools (SIFT, PolyPhen2, Align GVGD, REVEL). Due to insufficient evidences and the lack of functional studies, the clinical significance of the p.Gln739Glu change remains unknown at this time.